The following is an entry in ClinVar:

NM_001042517.2(DIAPH3):c.1498G>A (p.Ala500Thr)

Gene: DIAPH3 (diaphanous related formin 3; minus strand). Cytogenetic location: 13q21.2.
Variant type: single nucleotide variant.
Coding change: c.1498G>A on transcript NM_001042517.2 (MANE Select); coding-DNA position 1498, G replaced by A.
Protein change: p.Ala500Thr; replaces alanine 500 with threonine.
Molecular consequence: missense variant.
Genome position (GRCh38, 1-based): chr13:59,980,842, C>T on the plus strand (G>A on the coding strand, the complement: DIAPH3 is on the minus strand). VCF-style: chr13-59980842-C-T. GRCh37 (hg19) VCF-style: chr13-60554976-C-T.
Other names: c.1465G>A, p.Ala489Thr (NM_001258366.2); c.1360G>A, p.Ala454Thr (NM_001258367.2); c.1288G>A, p.Ala430Thr (NM_001258368.2); c.1498G>A, p.Ala500Thr (NM_001258369.2); c.709G>A, p.Ala237Thr (NM_001258370.2, NM_030932.4); short protein forms A430T, A454T, A489T, A237T, A500T.
Identifiers: ClinVar variation 2117518 (VCV002117518.4), dbSNP rs2502358911, ClinGen allele CA388332983.

ClinVar aggregate classification (germline): Uncertain significance (1 of 4 stars; one submission).

Allele frequency attached by ClinVar (database versions not stated): gnomAD exomes below 0.00001.
gnomAD v4.1: 1 of 1,609,174 alleles (0.000062%); highest among the groups gnomAD compares: East Asian, 0.0022%; no homozygotes.

Submission:

Labcorp Genetics (formerly Invitae), Labcorp
Classification: Uncertain significance. Last evaluated: 2022-09-01. Review status: criteria provided, single submitter. Criteria: Invitae Variant Classification Sherloc (09022015). Collection method: clinical testing. Allele origin: germline.
Comment: This variant is not present in population databases (gnomAD no frequency). This sequence change replaces alanine, which is neutral and non-polar, with threonine, which is neutral and polar, at codon 500 of the DIAPH3 protein (p.Ala500Thr). Algorithms developed to predict the effect of missense changes on protein structure and function are either unavailable or do not agree on the potential impact of this missense change (SIFT: "Deleterious"; PolyPhen-2: "Benign"; Align-GVGD: "Class C0"). In summary, the available evidence is currently insufficient to determine the role of this variant in disease. Therefore, it has been classified as a Variant of Uncertain Significance. This variant has not been reported in the literature in individuals affected with DIAPH3-related conditions.